The following is an entry in ClinVar:

ClinVar aggregate classification (germline): Uncertain significance (1 of 4 stars; one submission).

Conditions:
Hereditary cancer-predisposing syndrome. Also called: Neoplastic Syndromes, Hereditary; Tumor predisposition; Hereditary Cancer Syndrome; Hereditary neoplastic syndrome. Identifiers: Orphanet 140162, MedGen C0027672, MeSH D009386, MONDO:0015356.

Submission:

Ambry Genetics
Classification: Uncertain significance for Hereditary cancer-predisposing syndrome. Last evaluated: 2021-08-26. Review status: criteria provided, single submitter. Criteria: Ambry Variant Classification Scheme 2023. Collection method: clinical testing. Allele origin: germline.
Comment: The p.P573L variant (also known as c.1718C>T), located in coding exon 11 of the KIT gene, results from a C to T substitution at nucleotide position 1718. The proline at codon 573 is replaced by leucine, an amino acid with similar properties. This amino acid position is highly conserved in available vertebrate species. In addition, this alteration is predicted to be deleterious by in silico analysis. Since supporting evidence is limited at this time, the clinical significance of this alteration remains unclear.

NM_000222.3(KIT):c.1718C>T (p.Pro573Leu)

Gene: KIT (KIT proto-oncogene, receptor tyrosine kinase; plus strand). Cytogenetic location: 4q12.
Variant type: single nucleotide variant.
Coding change: c.1718C>T on transcript NM_000222.3 (MANE Select); coding-DNA position 1718, C replaced by T.
Protein change: p.Pro573Leu; replaces proline 573 with leucine.
Molecular consequence: missense variant.
Genome position (GRCh38, 1-based): chr4:54,727,486, C>T. VCF-style: chr4-54727486-C-T. GRCh37 (hg19) VCF-style: chr4-55593652-C-T.
Other names: c.1706C>T, p.Pro569Leu (NM_001093772.2, NM_001385286.1); c.1721C>T, p.Pro574Leu (NM_001385284.1, NM_001385290.1); c.1718C>T, p.Pro573Leu (NM_001385285.1); c.1709C>T, p.Pro570Leu (NM_001385288.1, NM_001385292.1); short protein forms P574L, P570L, P569L, P573L.
Identifiers: ClinVar variation 1778667 (VCV001778667.2), dbSNP rs1722312031, ClinGen allele CA356907558.